The following is an entry in ClinVar:

NM_031433.4(MFRP):c.365C>T (p.Ser122Phe)

Genes: C1QTNF5 (C1q and TNF related 5; minus strand), MFRP (membrane frizzled-related protein; minus strand). Cytogenetic location: 11q23.3.
Variant type: single nucleotide variant.
Coding change: c.365C>T on transcript NM_031433.4 (MANE Select); coding-DNA position 365, C replaced by T.
Protein change: p.Ser122Phe; replaces serine 122 with phenylalanine.
Molecular consequence: missense variant. On other transcripts: 5 prime UTR variant (1).
Genome position (GRCh38, 1-based): chr11:119,345,835, G>A on the plus strand (C>T on the coding strand, the complement: MFRP is on the minus strand). VCF-style: chr11-119345835-G-A. GRCh37 (hg19) VCF-style: chr11-119216545-G-A.
Other names: c.-2272C>T (NM_015645.5); short protein forms S122F.
Identifiers: ClinVar variation 2036957 (VCV002036957.4), dbSNP rs2497093407, ClinGen allele CA382978862.

ClinVar aggregate classification (germline): Uncertain significance (1 of 4 stars; one submission).

Conditions:
Isolated microphthalmia 5. Also called: Posterior Microphthalmia with Retinitis Pigmentosa, Foveoschisis, and Optic Disc Drusen. Identifiers: Orphanet 251279, MedGen C1970236, MONDO:0012605, OMIM 611040.

Submission:

Labcorp Genetics (formerly Invitae), Labcorp
Classification: Uncertain significance for Isolated microphthalmia 5. Last evaluated: 2022-04-12. Review status: criteria provided, single submitter. Criteria: Invitae Variant Classification Sherloc (09022015). Collection method: clinical testing. Allele origin: germline.
Comment: This variant is not present in population databases (gnomAD no frequency). This sequence change replaces serine, which is neutral and polar, with phenylalanine, which is neutral and non-polar, at codon 122 of the MFRP protein (p.Ser122Phe). This variant has not been reported in the literature in individuals affected with MFRP-related conditions. In summary, the available evidence is currently insufficient to determine the role of this variant in disease. Therefore, it has been classified as a Variant of Uncertain Significance. Algorithms developed to predict the effect of missense changes on protein structure and function output the following: SIFT: "Deleterious"; PolyPhen-2: "Benign"; Align-GVGD: "Class C0". The phenylalanine amino acid residue is found in multiple mammalian species, which suggests that this missense change does not adversely affect protein function.